The following is an entry in ClinVar:

ClinVar aggregate classification (germline): Uncertain significance (1 of 4 stars; one submission).

Conditions:
Congenital contractural arachnodactyly (CCA). Also called: BEALS SYNDROME; Arthrogryposis, distal, type 9; Beals-Hecht syndrome. Identifiers: Orphanet 115, MedGen C0220668, MONDO:0007363, OMIM 121050.

Submission:

Labcorp Genetics (formerly Invitae), Labcorp
Classification: Uncertain significance for Congenital contractural arachnodactyly. Last evaluated: 2025-12-08. Review status: criteria provided, single submitter. Criteria: Invitae Variant Classification Sherloc (09022015). Collection method: clinical testing. Allele origin: germline.
Comment: This sequence change replaces asparagine, which is neutral and polar, with serine, which is neutral and polar, at codon 2065 of the FBN2 protein (p.Asn2065Ser). This variant is not present in population databases (gnomAD no frequency). This variant has not been reported in the literature in individuals affected with FBN2-related conditions. ClinVar contains an entry for this variant (Variation ID: 3662957). Invitae Evidence Modeling of protein sequence and biophysical properties (such as structural, functional, and spatial information, amino acid conservation, physicochemical variation, residue mobility, and thermodynamic stability) indicates that this missense variant is not expected to disrupt FBN2 protein function with a negative predictive value of 80%. In summary, the available evidence is currently insufficient to determine the role of this variant in disease. Therefore, it has been classified as a Variant of Uncertain Significance.

NM_001999.4(FBN2):c.6194A>G (p.Asn2065Ser)

Gene: FBN2 (fibrillin 2; minus strand). Cytogenetic location: 5q23.3.
Variant type: single nucleotide variant.
Coding change: c.6194A>G on transcript NM_001999.4 (MANE Select); coding-DNA position 6194, A replaced by G.
Protein change: p.Asn2065Ser; replaces asparagine 2065 with serine.
Molecular consequence: missense variant.
Genome position (GRCh38, 1-based): chr5:128,291,627, T>C on the plus strand (A>G on the coding strand, the complement: FBN2 is on the minus strand). VCF-style: chr5-128291627-T-C. GRCh37 (hg19) VCF-style: chr5-127627319-T-C.
Other names: short protein forms N2065S.
Identifiers: ClinVar variation 3662957 (VCV003662957.2).